The following is an entry in ClinVar:

ClinVar aggregate classification (germline): Conflicting classifications of pathogenicity. Review status: criteria provided, conflicting classifications (1 of 4 stars). 5 submissions from 5 submitters: Uncertain significance (3); Likely benign (1). 1 of the submissions does not count toward it. Last evaluated 2026-04-09.

Conditions:
Properdin deficiency, X-linked (CFPD). Also called: Properdin deficiency, type 1; COMPLEMENT FACTOR PROPERDIN DEFICIENCY; PROPERDIN DEFICIENCY, TYPE I; PROPERDIN P FACTOR DEFICIENCY. Identifiers: Orphanet 2966, MedGen C1839454, MONDO:0010713, OMIM 312060.

Allele frequency attached by ClinVar (database versions not stated): gnomAD 0.00006 and 0.00007; TOPMed 0.00009; gnomAD exomes 0.00012 and 0.00013; ExAC 0.00020.
gnomAD v4.1: 138 of 1,202,537 alleles (0.011%); highest among the groups gnomAD compares: Middle Eastern, 0.024%; no homozygotes.

Submissions (5):

Women's Health and Genetics/Laboratory Corporation of America, LabCorp
Classification: Uncertain significance. Last evaluated: 2026-04-09. Review status: criteria provided, single submitter. Criteria: LabCorp Variant Classification Summary - May 2015. Collection method: clinical testing. Allele origin: germline.
Comment: Variant summary: CFP c.476G>A (p.Arg159His) results in a non-conservative amino acid change in the encoded protein sequence. Algorithms developed to predict the effect of missense changes on protein structure and function all suggest that this variant is likely to be disruptive. The variant allele was found at a frequency of 0.00013 in 167488 control chromosomes. This frequency is not significantly higher than estimated for disease-causing variants in CFP, allowing no conclusion about variant significance. To our knowledge, no occurrence of c.476G>A in individuals affected with CFP-related conditions and no experimental evidence demonstrating its impact on protein function have been reported. ClinVar contains an entry for this variant (Variation ID: 973631). Based on the evidence outlined above, the variant was classified as uncertain significance.

Labcorp Genetics (formerly Invitae), Labcorp
Classification: Uncertain significance. Last evaluated: 2026-01-02. Review status: criteria provided, single submitter. Criteria: Invitae Variant Classification Sherloc (09022015). Collection method: clinical testing. Allele origin: germline.
Comment: This sequence change replaces arginine, which is basic and polar, with histidine, which is basic and polar, at codon 159 of the CFP protein (p.Arg159His). This variant is present in population databases (rs200131215, gnomAD 0.02%). This variant has not been reported in the literature in individuals affected with CFP-related conditions. ClinVar contains an entry for this variant (Variation ID: 973631). Invitae Evidence Modeling of protein sequence and biophysical properties (such as structural, functional, and spatial information, amino acid conservation, physicochemical variation, residue mobility, and thermodynamic stability) indicates that this missense variant is expected to disrupt CFP protein function with a positive predictive value of 80%. In summary, the available evidence is currently insufficient to determine the role of this variant in disease. Therefore, it has been classified as a Variant of Uncertain Significance.

CeGaT Center for Human Genetics Tuebingen
Classification: Likely benign. Last evaluated: 2025-08-01. Review status: criteria provided, single submitter. Criteria: CeGaT Center For Human Genetics Tuebingen Variant Classification Criteria Version 2. Collection method: clinical testing. Allele origin: germline. Affected: yes. Observed: 1 variant allele.
Comment: CFP: BS2

Breakthrough Genomics
Classification: Uncertain significance. Review status: criteria provided, single submitter. Criteria: ACMG Guidelines, 2015. Collection method: not provided. Allele origin: germline. Inheritance: X-linked recessive inheritance. Affected: yes.

UOSD Laboratory of Genetics & Genomics of Rare Diseases, Istituto Giannina Gaslini
Classification: Uncertain significance for Properdin deficiency, X-linked. Last evaluated: 2020-05-21. Review status: no assertion criteria provided. Collection method: clinical testing. Allele origin: germline. Affected: yes. Observed: 1 variant allele. Not counted in ClinVar's aggregate classification.

NM_001145252.3(CFP):c.476G>A (p.Arg159His)

Gene: CFP (complement factor properdin; minus strand). Cytogenetic location: Xp11.23.
Variant type: single nucleotide variant.
Coding change: c.476G>A on transcript NM_001145252.3 (MANE Select); coding-DNA position 476, G replaced by A.
Protein change: p.Arg159His; replaces arginine 159 with histidine.
Molecular consequence: missense variant.
Genome position (GRCh38, 1-based): chrX:47,627,569, C>T on the plus strand (G>A on the coding strand, the complement: CFP is on the minus strand). VCF-style: chrX-47627569-C-T. GRCh37 (hg19) VCF-style: chrX-47486968-C-T.
Other names: c.476G>A, p.Arg159His (NM_002621.2); short protein forms R159H.
Identifiers: ClinVar variation 973631 (VCV000973631.17), dbSNP rs200131215, ClinGen allele CA10398952.